The following is an entry in ClinVar:

NM_000704.3(ATP4A):c.1490A>C (p.Asn497Thr)

Gene: ATP4A (ATPase H+/K+ transporting subunit alpha; minus strand). Cytogenetic location: 19q13.12.
Variant type: single nucleotide variant.
Coding change: c.1490A>C on transcript NM_000704.3 (MANE Select); coding-DNA position 1490, A replaced by C.
Protein change: p.Asn497Thr; replaces asparagine 497 with threonine.
Molecular consequence: missense variant.
Genome position (GRCh38, 1-based): chr19:35,558,372, T>G on the plus strand (A>C on the coding strand, the complement: ATP4A is on the minus strand). VCF-style: chr19-35558372-T-G. GRCh37 (hg19) VCF-style: chr19-36049274-T-G.
Other names: short protein forms N497T.
Identifiers: ClinVar variation 4697741 (VCV004697741.1).
Genomic context (GRCh38, chr19:35,558,372, plus strand): 5'-CGGGGCCCGAGGTGGGCGGGCCCAGGCCGTGGGCGGGGCCGGCTGCGCACCTGGAACTTG[T>G]TGGTGGAGTTGAAGGGTATCTCGCAGACTTTTGGGAAGCGGTCCCGGTAGCCCATGGCGT-3'
Protein context (NP_000695.2, residues 487-507): KVCEIPFNST[Asn497Thr]KFQLSIHTLE

ClinVar aggregate classification (germline): Uncertain significance (1 of 4 stars; one submission).

gnomAD v4.1: 12 of 1,610,556 alleles (0.00075%); highest among the groups gnomAD compares: Middle Eastern, 0.016%; no homozygotes.

Submission:

Labcorp Genetics (formerly Invitae), Labcorp
Classification: Uncertain significance. Last evaluated: 2025-02-19. Review status: criteria provided, single submitter. Criteria: Invitae Variant Classification Sherloc (09022015). Collection method: clinical testing. Allele origin: germline.
Comment: This sequence change replaces asparagine, which is neutral and polar, with threonine, which is neutral and polar, at codon 497 of the ATP4A protein (p.Asn497Thr). This variant is present in population databases (no rsID available, gnomAD 0.007%). This variant has not been reported in the literature in individuals affected with ATP4A-related conditions. Invitae Evidence Modeling of protein sequence and biophysical properties (such as structural, functional, and spatial information, amino acid conservation, physicochemical variation, residue mobility, and thermodynamic stability) indicates that this missense variant is not expected to disrupt ATP4A protein function with a negative predictive value of 80%. In summary, the available evidence is currently insufficient to determine the role of this variant in disease. Therefore, it has been classified as a Variant of Uncertain Significance.